The following is an entry in ClinVar:

ClinVar aggregate classification (germline): Benign/Likely benign. Review status: criteria provided, multiple submitters, no conflicts (2 of 4 stars). 4 submissions from 4 submitters: Benign (1); Likely benign (3). Last evaluated 2026-02-01.

Conditions:
Primary ciliary dyskinesia 7. Also called: CILIARY DYSKINESIA, PRIMARY, 7, WITH OR WITHOUT SITUS INVERSUS. Identifiers: Orphanet 244, MedGen C2678473, MONDO:0012748, OMIM 611884.
Primary ciliary dyskinesia. Also called: Ciliary dyskinesia. Identifiers: Orphanet 244, MedGen C0008780, MONDO:0016575, HP:0012265.

Submissions (4):

Labcorp Genetics (formerly Invitae), Labcorp
Classification: Benign for Primary ciliary dyskinesia. Last evaluated: 2026-02-01. Review status: criteria provided, single submitter. Criteria: Invitae Variant Classification Sherloc (09022015). Collection method: clinical testing. Allele origin: germline.

CeGaT Center for Human Genetics Tuebingen
Classification: Likely benign. Last evaluated: 2025-08-01. Review status: criteria provided, single submitter. Criteria: CeGaT Center For Human Genetics Tuebingen Variant Classification Criteria Version 2. Collection method: clinical testing. Allele origin: germline. Affected: yes. Observed: 3 variant alleles.
Comment: DNAH11: BP4

ARUP Laboratories, Molecular Genetics and Genomics, ARUP Laboratories
Classification: Likely benign for Primary ciliary dyskinesia 7. Last evaluated: 2025-01-30. Review status: criteria provided, single submitter. Criteria: ARUP Molecular Germline Variant Investigation Process 2024. Collection method: clinical testing. Allele origin: germline.

Blueprint Genetics
Classification: Likely benign. Last evaluated: 2024-08-13. Review status: criteria provided, single submitter. Criteria: ACMG Guidelines, 2015. Collection method: clinical testing. Allele origin: germline.

NM_001277115.2(DNAH11):c.13163-10_13163-7dup

Gene: DNAH11 (dynein axonemal heavy chain 11; plus strand). Cytogenetic location: 7p15.3.
Variant type: Duplication.
Coding change: c.13163-10_13163-7dup on transcript NM_001277115.2 (MANE Select); 10 bases into the intron before coding-DNA position 13163 through 7 bases into the intron before coding-DNA position 13163, 4 bases duplicated (ATTT; older notation c.13163-10_13163-7dupATTT).
Molecular consequence: intron variant.
Genome position (GRCh38, 1-based): chr7:21,899,970-21,899,973, ATTT duplicated; duplicating any 4 consecutive bases within chr7:21,899,969-21,899,973 gives the same sequence; the c. name uses the placement nearest the transcript's 3' end. VCF-style (leftmost placement, unchanged base first): chr7-21899968-A-ATATT. GRCh37 (hg19) VCF-style: chr7-21939586-A-ATATT.
Identifiers: ClinVar variation 1670839 (VCV001670839.35), dbSNP rs528000635, ClinGen allele CA4183347.
Genomic context (GRCh38, chr7:21,899,968, plus strand): 5'-ATTTACTGGTAGCTCCCGGGAACCTTACATGCAACACTTTTATCCTATTCAATTTTTGTT[A>ATATT]TATTTCCAAAGCAATCATGCAGACGATGGCTCGAAAAAATGAGTGGCCCCTGGATAAAAC-3'